The following is an entry in ClinVar:

NM_017755.6(NSUN2):c.1945G>A (p.Ala649Thr)

Gene: NSUN2 (NOP2/Sun RNA methyltransferase 2; minus strand). Cytogenetic location: 5p15.31.
Variant type: single nucleotide variant.
Coding change: c.1945G>A on transcript NM_017755.6 (MANE Select); coding-DNA position 1945, G replaced by A.
Protein change: p.Ala649Thr; replaces alanine 649 with threonine.
Molecular consequence: missense variant. On other transcripts: non-coding transcript variant (1).
Genome position (GRCh38, 1-based): chr5:6,604,150, C>T on the plus strand (G>A on the coding strand, the complement: NSUN2 is on the minus strand). VCF-style: chr5-6604150-C-T. GRCh37 (hg19) VCF-style: chr5-6604263-C-T.
Other names: c.1840G>A, p.Ala614Thr (NM_001193455.2); short protein forms A614T, A649T.
Identifiers: ClinVar variation 1783117 (VCV001783117.8), dbSNP rs369426554, ClinGen allele CA3192272.

ClinVar aggregate classification (germline): Uncertain significance. Review status: criteria provided, multiple submitters, no conflicts (2 of 4 stars). 2 submissions from 2 submitters: Uncertain significance (2). Last evaluated 2024-04-08.

Conditions:
Inborn genetic diseases. Identifiers: MedGen C0950123, MeSH D030342.

Allele frequency attached by ClinVar (database versions not stated): TOPMed 0.00001; ExAC 0.00002; gnomAD 0.00003; ESP Exome Variant Server 0.00008; gnomAD exomes 0.00001.
gnomAD v4.1: 23 of 1,613,318 alleles (0.0014%); highest among the groups gnomAD compares: Middle Eastern, 0.016%; no homozygotes.

Submissions (2):

Ambry Genetics
Classification: Uncertain significance for Inborn genetic diseases. Last evaluated: 2024-04-08. Review status: criteria provided, single submitter. Criteria: Ambry Variant Classification Scheme 2023. Collection method: clinical testing. Allele origin: germline.

Labcorp Genetics (formerly Invitae), Labcorp
Classification: Uncertain significance. Last evaluated: 2024-02-23. Review status: criteria provided, single submitter. Criteria: Invitae Variant Classification Sherloc (09022015). Collection method: clinical testing. Allele origin: germline.
Comment: This sequence change replaces alanine, which is neutral and non-polar, with threonine, which is neutral and polar, at codon 649 of the NSUN2 protein (p.Ala649Thr). This variant is present in population databases (rs369426554, gnomAD 0.01%). This variant has not been reported in the literature in individuals affected with NSUN2-related conditions. ClinVar contains an entry for this variant (Variation ID: 1783117). Advanced modeling of protein sequence and biophysical properties (such as structural, functional, and spatial information, amino acid conservation, physicochemical variation, residue mobility, and thermodynamic stability) performed at Invitae indicates that this missense variant is not expected to disrupt NSUN2 protein function with a negative predictive value of 80%. In summary, the available evidence is currently insufficient to determine the role of this variant in disease. Therefore, it has been classified as a Variant of Uncertain Significance.